The following is an entry in ClinVar:

NM_001401501.2(MUC16):c.5411G>C (p.Gly1804Ala)

Gene: MUC16 (mucin 16, cell surface associated; minus strand). Cytogenetic location: 19p13.2.
Variant type: single nucleotide variant.
Coding change: c.5411G>C on transcript NM_001401501.2 (MANE Select); coding-DNA position 5411, G replaced by C.
Protein change: p.Gly1804Ala; replaces glycine 1804 with alanine.
Molecular consequence: missense variant.
Genome position (GRCh38, 1-based): chr19:8,975,848, C>G on the plus strand (G>C on the coding strand, the complement: MUC16 is on the minus strand). VCF-style: chr19-8975848-C-G. GRCh37 (hg19) VCF-style: chr19-9086524-C-G.
Other names: c.5837G>C, p.Gly1946Ala (NM_001414686.1); c.5291G>C, p.Gly1764Ala (NM_001414687.1, NM_024690.2); short protein forms G1764A, G1804A, G1946A.
Identifiers: ClinVar variation 4084312 (VCV004084312.8).

ClinVar aggregate classification (germline): Likely benign (1 of 4 stars; one submission).

Submission:

CeGaT Center for Human Genetics Tuebingen
Classification: Likely benign. Last evaluated: 2025-07-01. Review status: criteria provided, single submitter. Criteria: CeGaT Center For Human Genetics Tuebingen Variant Classification Criteria Version 2. Collection method: clinical testing. Allele origin: germline. Affected: yes. Observed: 1 variant allele.
Comment: MUC16: BP4